The following is an entry in ClinVar:

ClinVar aggregate classification (germline): Likely pathogenic (1 of 4 stars; one submission).

Conditions:
Urinary bladder, atony of. Also called: Bladder Dysfunction with Impaired Pupillary Reflex and Secondary Congenital Anomalies of the Kidney and Urinary Tract. Identifiers: MedGen C5231389, MONDO:0008630, OMIM 191800.
SMOKING AS A QUANTITATIVE TRAIT LOCUS 3 (SQTL3). Identifiers: MedGen C3150168, OMIM 612052.

Allele frequency attached by ClinVar (database versions not stated): gnomAD exomes below 0.00001.

Submission:

Fulgent Genetics
Classification: Likely pathogenic for Urinary bladder, atony of; SMOKING AS A QUANTITATIVE TRAIT LOCUS 3. Last evaluated: 2021-06-30. Review status: criteria provided, single submitter. Criteria: ACMG Guidelines, 2015. Collection method: clinical testing. Allele origin: unknown.
Comment: This variant has been detected in individual(s) who were sent for testing of Renasight - kidney gene panel.

NM_000743.5(CHRNA3):c.1099C>T (p.Gln367Ter)

Gene: CHRNA3 (cholinergic receptor nicotinic alpha 3 subunit; minus strand). Cytogenetic location: 15q25.1.
Variant type: single nucleotide variant.
Coding change: c.1099C>T on transcript NM_000743.5 (MANE Select); coding-DNA position 1099, C replaced by T.
Protein change: p.Gln367Ter; replaces glutamine 367 with a stop codon.
Molecular consequence: nonsense. On other transcripts: non-coding transcript variant (1).
Genome position (GRCh38, 1-based): chr15:78,601,543, G>A on the plus strand (C>T on the coding strand, the complement: CHRNA3 is on the minus strand). VCF-style: chr15-78601543-G-A. GRCh37 (hg19) VCF-style: chr15-78893885-G-A.
Other names: c.1099C>T, p.Gln367Ter (NM_001166694.2); short protein forms Q367*.
Identifiers: ClinVar variation 1179064 (VCV001179064.2), dbSNP rs2141325372, ClinGen allele CA393583630.